The following is an entry in ClinVar:

NM_201384.3(PLEC):c.6776A>G (p.Lys2259Arg)

Gene: PLEC (plectin; minus strand). Cytogenetic location: 8q24.3.
Variant type: single nucleotide variant.
Coding change: c.6776A>G on transcript NM_201384.3 (MANE Select); coding-DNA position 6776, A replaced by G.
Protein change: p.Lys2259Arg; replaces lysine 2259 with arginine.
Molecular consequence: missense variant. On other transcripts: intron variant (1).
Genome position (GRCh38, 1-based): chr8:143,923,153, T>C on the plus strand (A>G on the coding strand, the complement: PLEC is on the minus strand). VCF-style: chr8-143923153-T-C. GRCh37 (hg19) VCF-style: chr8-144997321-T-C.
Other names: c.6857A>G (NM_000445.4); c.6857A>G, p.Lys2286Arg (NM_000445.5); c.6734A>G, p.Lys2245Arg (NM_201378.4); c.6710A>G, p.Lys2237Arg (NM_201379.3); c.7187A>G, p.Lys2396Arg (NM_201380.4); c.6680A>G, p.Lys2227Arg (NM_201381.3); c.6776A>G, p.Lys2259Arg (NM_201382.4); c.6788A>G, p.Lys2263Arg (NM_201383.3); and 1 more; short protein forms K2227R, K2237R, K2245R, K2259R, K2263R, K2286R, K2396R.
Identifiers: ClinVar variation 4079730 (VCV004079730.2).
Genomic context (GRCh38, chr8:143,923,153, plus strand): 5'-TCCTCCGCCACCTGCTTCATCTTCTCAGCCTCCTCCTGCAGGAAGCGCTGCGTATTGTCC[T>C]TGTCACGCAAGATGAGTGCGCGGTTCTCAGCCTCGATGCGTGCCTTGAGCTTGCTCAGCT-3'
Protein context (NP_958786.1, residues 2249-2269): AENRALILRD[Lys2259Arg]DNTQRFLQEE

ClinVar aggregate classification (germline): Uncertain significance. Review status: criteria provided, multiple submitters, no conflicts (2 of 4 stars). 2 submissions from 2 submitters: Uncertain significance (2). Last evaluated 2025-05-01.

Conditions:
PLEC-related disorder. Also called: PLEC-related disorders; PLEC-related condition.

gnomAD v4.1: 5 of 1,602,778 alleles (0.00031%); highest among the groups gnomAD compares: African/African-American, 0.0027%; no homozygotes.

Submissions (2):

PreventionGenetics, part of Exact Sciences
Classification: Uncertain significance for PLEC-related condition. Last evaluated: 2025-05-01. Review status: criteria provided, single submitter. Criteria: ACMG Guidelines, 2015. Collection method: clinical testing. Allele origin: germline.
Comment: The PLEC c.6857A>G variant is predicted to result in the amino acid substitution p.Lys2286Arg. To our knowledge, this variant has not been reported in the literature or in a large population database (gnomAD), indicating this variant is rare. At this time, the clinical significance of this variant is uncertain due to the absence of conclusive functional and genetic evidence.

Revvity Omics, Revvity
Classification: Uncertain significance. Last evaluated: 2024-06-27. Review status: criteria provided, single submitter. Criteria: ACMG Guidelines, 2015. Collection method: clinical testing. Allele origin: germline.